The following is an entry in ClinVar:

ClinVar aggregate classification (germline): Pathogenic/Likely pathogenic. Review status: criteria provided, multiple submitters, no conflicts (2 of 4 stars). 3 submissions from 3 submitters: Pathogenic (2); Likely pathogenic (1). Last evaluated 2025-02-04.

Conditions:
Nephrogenic diabetes insipidus. Identifiers: Orphanet 223, MedGen C0162283, MONDO:0016383, HP:0009806.

Submissions (3):

Clinical Genetics Laboratory, Skane University Hospital Lund
Classification: Pathogenic for Nephrogenic diabetes insipidus. Last evaluated: 2025-02-04. Review status: criteria provided, single submitter. Criteria: ACMG Guidelines, 2015. Collection method: clinical testing. Allele origin: germline. Affected: yes.
Comment: ACMG criteria used: PS4, PM2, PM5, PP3_Strong

Athena Diagnostics
Classification: Likely pathogenic. Last evaluated: 2023-08-09. Review status: criteria provided, single submitter. Criteria: Athena Diagnostics Criteria. Collection method: clinical testing. Allele origin: unknown.
Comment: This variant has been identified in at least one individual, including a de novo case, with clinical features associated with this gene. This variant has not been reported in large, multi-ethnic general populations. Multiple missense variants at this codon, including at least one considered to be pathogenic or likely pathogenic, have been reported in individuals with clinical features associated with this gene, suggesting this variant may also cause disease. Computational tools predict that this variant is damaging.

Labcorp Genetics (formerly Invitae), Labcorp
Classification: Pathogenic. Last evaluated: 2022-06-23. Review status: criteria provided, single submitter. Criteria: Invitae Variant Classification Sherloc (09022015). Collection method: clinical testing. Allele origin: germline.
Comment: For these reasons, this variant has been classified as Pathogenic. This variant disrupts the p.Pro322 amino acid residue in AVPR2. Other variant(s) that disrupt this residue have been determined to be pathogenic (PMID: 8929875, 9402087, 9773787, 10026830, 19587238). This suggests that this residue is clinically significant, and that variants that disrupt this residue are likely to be disease-causing. Advanced modeling of protein sequence and biophysical properties (such as structural, functional, and spatial information, amino acid conservation, physicochemical variation, residue mobility, and thermodynamic stability) performed at Invitae indicates that this missense variant is expected to disrupt AVPR2 protein function. This missense change has been observed in individual(s) with congenital nephrogenic diabetes insipidus (PMID: 17371330). In at least one individual the variant was observed to be de novo. This variant is not present in population databases (gnomAD no frequency). This sequence change replaces proline, which is neutral and non-polar, with leucine, which is neutral and non-polar, at codon 322 of the AVPR2 protein (p.Pro322Leu).

Literature cited by the submitters: PubMed 17371330 (cited by Athena Diagnostics and Labcorp Genetics (formerly Invitae), Labcorp); PubMed 24030030 (cited by Athena Diagnostics); PubMed 8929875 (cited by Labcorp Genetics (formerly Invitae), Labcorp); PubMed 9402087 (cited by Labcorp Genetics (formerly Invitae), Labcorp); PubMed 9773787 (cited by Labcorp Genetics (formerly Invitae), Labcorp); PubMed 10026830 (cited by Labcorp Genetics (formerly Invitae), Labcorp); PubMed 19587238 (cited by Labcorp Genetics (formerly Invitae), Labcorp).

NM_000054.7(AVPR2):c.965C>T (p.Pro322Leu)

Gene: AVPR2 (arginine vasopressin receptor 2; plus strand). Cytogenetic location: Xq28.
Variant type: single nucleotide variant.
Coding change: c.965C>T on transcript NM_000054.7 (MANE Select); coding-DNA position 965, C replaced by T.
Protein change: p.Pro322Leu; replaces proline 322 with leucine.
Molecular consequence: missense variant. On other transcripts: 3 prime UTR variant (1), non-coding transcript variant (1).
Genome position (GRCh38, 1-based): chrX:153,906,577, C>T. VCF-style: chrX-153906577-C-T. GRCh37 (hg19) VCF-style: chrX-153172031-C-T.
Other names: c.*141C>T (NM_001146151.3); c.965C>T (NM_000054.4); short protein forms P322L.
Identifiers: ClinVar variation 2138782 (VCV002138782.6), dbSNP rs2521161799, ClinGen allele CA415110993.